The following is an entry in ClinVar:

ClinVar aggregate classification (germline): Uncertain significance. Review status: criteria provided, multiple submitters, no conflicts (2 of 4 stars). 3 submissions from 3 submitters: Uncertain significance (3). Last evaluated 2024-02-19.

Conditions:
Multiple congenital anomalies/dysmorphic syndrome. Identifiers: Orphanet 68341, MedGen C5681310, MONDO:0019042.

Allele frequency attached by ClinVar (database versions not stated): TOPMed 0.00002; gnomAD exomes 0.00010 and 0.00002; ExAC 0.00001; gnomAD 0.00002.
gnomAD v4.1: 150 of 1,614,068 alleles (0.0093%); highest among the groups gnomAD compares: Non-Finnish European, 0.012%; no homozygotes.

Submissions (3):

Labcorp Genetics (formerly Invitae), Labcorp
Classification: Uncertain significance. Last evaluated: 2024-02-19. Review status: criteria provided, single submitter. Criteria: Invitae Variant Classification Sherloc (09022015). Collection method: clinical testing. Allele origin: germline.
Comment: This sequence change replaces glutamic acid, which is acidic and polar, with glycine, which is neutral and non-polar, at codon 420 of the SLC1A3 protein (p.Glu420Gly). This variant is present in population databases (rs745942837, gnomAD 0.007%). This variant has not been reported in the literature in individuals affected with SLC1A3-related conditions. ClinVar contains an entry for this variant (Variation ID: 805480). Advanced modeling of protein sequence and biophysical properties (such as structural, functional, and spatial information, amino acid conservation, physicochemical variation, residue mobility, and thermodynamic stability) performed at Invitae indicates that this missense variant is not expected to disrupt SLC1A3 protein function with a negative predictive value of 80%. In summary, the available evidence is currently insufficient to determine the role of this variant in disease. Therefore, it has been classified as a Variant of Uncertain Significance.

Athena Diagnostics
Classification: Uncertain significance. Last evaluated: 2021-06-15. Review status: criteria provided, single submitter. Criteria: Athena Diagnostics Criteria. Collection method: clinical testing. Allele origin: unknown.

Cambridge Genomics Laboratory, East Genomic Laboratory Hub, NHS Genomic Medicine Service
Classification: Uncertain significance for Multiple congenital anomalies/dysmorphic syndrome. Last evaluated: 2019-06-28. Review status: criteria provided, single submitter. Criteria: ACGS Best Practice Guidelines for Variant Classification in Rare Disease 2020. Collection method: clinical testing. Allele origin: germline. Affected: yes. Observed: 1 variant allele.

NM_004172.5(SLC1A3):c.1259A>G (p.Glu420Gly)

Genes: SLC1A3 (solute carrier family 1 member 3; plus strand), SLC1A3-AS1 (SLC1A3 antisense RNA 1; minus strand). Cytogenetic location: 5p13.2.
Variant type: single nucleotide variant.
Coding change: c.1259A>G on transcript NM_004172.5 (MANE Select); coding-DNA position 1259, A replaced by G.
Protein change: p.Glu420Gly; replaces glutamic acid 420 with glycine.
Molecular consequence: missense variant.
Genome position (GRCh38, 1-based): chr5:36,680,559, A>G. VCF-style: chr5-36680559-A-G. GRCh37 (hg19) VCF-style: chr5-36680661-A-G.
Other names: c.1259A>G, p.Glu420Gly (NM_001166695.3); c.1121A>G, p.Glu374Gly (NM_001289939.2); c.923A>G, p.Glu308Gly (NM_001289940.2); short protein forms E374G, E420G, E308G.
Identifiers: ClinVar variation 805480 (VCV000805480.5), dbSNP rs745942837, ClinGen allele CA3235632.